The following is an entry in ClinVar:

ClinVar aggregate classification (germline): Uncertain significance. Review status: criteria provided, multiple submitters, no conflicts (2 of 4 stars). 3 submissions from 3 submitters: Uncertain significance (3). Last evaluated 2024-06-26.

Conditions:
Inborn genetic diseases. Identifiers: MedGen C0950123, MeSH D030342.
Van Maldergem syndrome 2 (VMLDS2). Identifiers: Orphanet 314679, MedGen C3809875, MONDO:0014242, OMIM 615546.
Hennekam lymphangiectasia-lymphedema syndrome 2 (HKLLS2). Identifiers: Orphanet 2136, MedGen C4014939, MONDO:0014454, OMIM 616006.

Allele frequency attached by ClinVar (database versions not stated): TOPMed below 0.00001; gnomAD exomes 0.00001.
gnomAD v4.1: 10 of 1,614,150 alleles (0.00062%); highest among the groups gnomAD compares: Non-Finnish European, 0.00068%; no homozygotes.

Submissions (3):

Ambry Genetics
Classification: Uncertain significance for Inborn genetic diseases. Last evaluated: 2024-06-26. Review status: criteria provided, single submitter. Criteria: Ambry Variant Classification Scheme 2023. Collection method: clinical testing. Allele origin: germline.

Fulgent Genetics
Classification: Uncertain significance for Van Maldergem syndrome 2; Hennekam lymphangiectasia-lymphedema syndrome 2. Last evaluated: 2024-04-29. Review status: criteria provided, single submitter. Criteria: ACMG Guidelines, 2015. Collection method: clinical testing. Allele origin: germline.

Labcorp Genetics (formerly Invitae), Labcorp
Classification: Uncertain significance. Last evaluated: 2022-08-06. Review status: criteria provided, single submitter. Criteria: Invitae Variant Classification Sherloc (09022015). Collection method: clinical testing. Allele origin: germline.
Comment: This sequence change replaces leucine, which is neutral and non-polar, with phenylalanine, which is neutral and non-polar, at codon 3537 of the FAT4 protein (p.Leu3537Phe). This variant is present in population databases (no rsID available, gnomAD 0.0009%). This variant has not been reported in the literature in individuals affected with FAT4-related conditions. Advanced modeling of protein sequence and biophysical properties (such as structural, functional, and spatial information, amino acid conservation, physicochemical variation, residue mobility, and thermodynamic stability) performed at Invitae indicates that this missense variant is not expected to disrupt FAT4 protein function. In summary, the available evidence is currently insufficient to determine the role of this variant in disease. Therefore, it has been classified as a Variant of Uncertain Significance.

NM_001291303.3(FAT4):c.10615C>T (p.Leu3539Phe)

Gene: FAT4 (FAT atypical cadherin 4; plus strand). Cytogenetic location: 4q28.1.
Variant type: single nucleotide variant.
Coding change: c.10615C>T on transcript NM_001291303.3 (MANE Select); coding-DNA position 10615, C replaced by T.
Protein change: p.Leu3539Phe; replaces leucine 3539 with phenylalanine.
Molecular consequence: missense variant.
Genome position (GRCh38, 1-based): chr4:125,451,625, C>T. VCF-style: chr4-125451625-C-T. GRCh37 (hg19) VCF-style: chr4-126372780-C-T.
Other names: c.10615C>T, p.Leu3539Phe (NM_001291285.3); c.10609C>T, p.Leu3537Phe (NM_024582.6); c.10609C>T (NM_024582.4, NM_024582.5); short protein forms L3539F, L3537F.
Identifiers: ClinVar variation 1973738 (VCV001973738.4), dbSNP rs1441265229, ClinGen allele CA358159157.